The following is an entry in ClinVar:

ClinVar aggregate classification (germline): Uncertain significance (1 of 4 stars; one submission).

Conditions:
PDE1C-related disorder. Also called: PDE1C-related condition.

gnomAD v4.1: 40 of 1,613,606 alleles (0.0025%); highest among the groups gnomAD compares: Non-Finnish European, 0.0033%; no homozygotes.

Submission:

PreventionGenetics, part of Exact Sciences
Classification: Uncertain significance for PDE1C-related condition. Last evaluated: 2025-05-30. Review status: criteria provided, single submitter. Criteria: ACMG Guidelines, 2015. Collection method: clinical testing. Allele origin: germline.
Comment: The PDE1C c.1227C>G variant is predicted to result in the amino acid substitution p.Ile409Met. To our knowledge, this variant has not been reported in the literature. This variant is reported in 0.0016% of alleles in individuals of European (Non-Finnish) descent in gnomAD. At this time, the clinical significance of this variant is uncertain due to the absence of conclusive functional and genetic evidence.

NM_001191057.4(PDE1C):c.1047C>G (p.Ile349Met)

Gene: PDE1C (phosphodiesterase 1C; minus strand). Cytogenetic location: 7p14.3.
Variant type: single nucleotide variant.
Coding change: c.1047C>G on transcript NM_001191057.4 (MANE Select); coding-DNA position 1047, C replaced by G.
Protein change: p.Ile349Met; replaces isoleucine 349 with methionine.
Molecular consequence: missense variant.
Genome position (GRCh38, 1-based): chr7:31,837,905, G>C on the plus strand (C>G on the coding strand, the complement: PDE1C is on the minus strand). VCF-style: chr7-31837905-G-C. GRCh37 (hg19) VCF-style: chr7-31877519-G-C.
Other names: c.1047C>G, p.Ile349Met (NM_001191056.3, NM_001191059.4, NM_001322055.2 and 3 more transcripts); c.1227C>G, p.Ile409Met (NM_001191058.4, NM_001322058.2); c.1452C>G, p.Ile484Met (NM_001322059.2); short protein forms I349M, I484M, I409M.
Identifiers: ClinVar variation 4978376 (VCV004978376.1).